The following is an entry in ClinVar:

NM_018685.5(ANLN):c.1130T>C (p.Phe377Ser)

Gene: ANLN (anillin, actin binding protein; plus strand). Cytogenetic location: 7p14.2.
Variant type: single nucleotide variant.
Coding change: c.1130T>C on transcript NM_018685.5 (MANE Select); coding-DNA position 1130, T replaced by C.
Protein change: p.Phe377Ser; replaces phenylalanine 377 with serine.
Molecular consequence: missense variant.
Genome position (GRCh38, 1-based): chr7:36,410,547, T>C. VCF-style: chr7-36410547-T-C. GRCh37 (hg19) VCF-style: chr7-36450156-T-C.
Other names: c.1130T>C, p.Phe377Ser (NM_001284301.3, NM_001284302.3); short protein forms F377S.
Identifiers: ClinVar variation 4292296 (VCV004292296.1).

ClinVar aggregate classification (germline): Uncertain significance (1 of 4 stars; one submission).

Conditions:
Focal segmental glomerulosclerosis 8 (FSGS8). Identifiers: Orphanet 656, MedGen C4014993, MONDO:0014462, OMIM 616032.

Submission:

3billion
Classification: Uncertain significance for Focal segmental glomerulosclerosis 8. Last evaluated: 2024-06-22. Review status: criteria provided, single submitter. Criteria: ACMG Guidelines, 2015. Collection method: clinical testing. Allele origin: germline. Affected: yes.
Comment: The variant is not observed in the gnomAD v4.0.0 dataset. Predicted Consequence/Location: Missense changes are a common disease-causing mechanism. Therefore, this variant is classified as VUS according to the recommendation of ACMG/AMP guideline.